The following is an entry in ClinVar:

ClinVar aggregate classification (germline): Uncertain significance. Review status: criteria provided, multiple submitters, no conflicts (2 of 4 stars). 13 submissions from 13 submitters: Uncertain significance (12). 1 of the submissions does not count toward it. Last evaluated 2026-09-24.

Conditions:
MYBPC3-related disorder. Also called: MYBPC3-related disorders; MYBPC3-related condition; MYBPC3-related disease.
Cardiovascular phenotype. Identifiers: MedGen CN230736.
Left ventricular noncompaction 10 (LVNC10). Identifiers: Orphanet 154, Orphanet 54260, MedGen C3715165, MONDO:0014163, OMIM 615396.
Cardiomyopathy (CMYO). Also called: Cardiomyopathies. Identifiers: Orphanet 167848, MedGen C0878544, MONDO:0004994, HP:0001638. Inheritance: Various modes of inheritance.
Primary familial hypertrophic cardiomyopathy (HCM). Identifiers: Orphanet 99739, MedGen C0949658, MeSH D024741, MONDO:0024573. Inheritance: Various modes of inheritance.
Hypertrophic cardiomyopathy 4. Also called: Familial hypertrophic cardiomyopathy 4. Identifiers: MedGen C1861862, MONDO:0007268, OMIM 115197.
Abnormality of the cardiovascular system. Identifiers: MedGen C0243050, HP:0001626.
Hypertrophic cardiomyopathy. Also called: HYPERTROPHIC MYOCARDIOPATHY. Identifiers: Orphanet 217569, MedGen C0007194, MeSH D002312, MONDO:0005045, HP:0001639.

Allele frequency attached by ClinVar (database versions not stated): gnomAD 0.00002 and 0.00004; TOPMed 0.00002; ExAC 0.00006; gnomAD exomes 0.00006 and 0.00008; ESP Exome Variant Server 0.00008; 1000 Genomes Project 30x 0.00016; 1000 Genomes Project 0.00020.

Submissions (13):

PreventionGenetics, part of Exact Sciences
Classification: Uncertain significance for MYBPC3-related condition. Last evaluated: 2026-09-24. Review status: criteria provided, single submitter. Criteria: ACMG Guidelines, 2015. Collection method: clinical testing. Allele origin: germline.
Comment: The MYBPC3 c.682G>A variant is predicted to result in the amino acid substitution p.Asp228Asn. This variant has been reported in at least two individuals with hypertrophic cardiomyopathy (Andersen et al. 2001. PubMed ID: 11748309; Andersen et al. 2004. PubMed ID: 15114369; Jensen et al. 2013. PubMed ID: 23197161; Table S1, Murphy et al. 2016. PubMed ID: 26914223). Functional studies indicate this variant may disrupt myosin binding affinity (Ababou et al. 2008. PubMed ID: 18926831). This variant is reported in 0.011% of alleles in individuals of Latino descent in gnomAD and is interpreted as uncertain significance in ClinVar (Clinvar ID: 161304). At this time, the clinical significance of this variant is uncertain due to the absence of conclusive functional and genetic evidence.

Labcorp Genetics (formerly Invitae), Labcorp
Classification: Uncertain significance for Hypertrophic cardiomyopathy. Last evaluated: 2026-02-03. Review status: criteria provided, single submitter. Criteria: Invitae Variant Classification Sherloc (09022015). Collection method: clinical testing. Allele origin: germline.
Comment: This sequence change replaces aspartic acid, which is acidic and polar, with asparagine, which is neutral and polar, at codon 228 of the MYBPC3 protein (p.Asp228Asn). This variant is present in population databases (rs369300885, gnomAD 0.01%). This missense change has been observed in individual(s) with hypertrophic cardiomyopathy (PMID: 11748309, 26914223, 37652022). This variant is also known as g.5166G>A (p.D228N). ClinVar contains an entry for this variant (Variation ID: 161304). An algorithm developed to predict the effect of missense changes on protein structure and function (PolyPhen-2) suggests that this variant is likely to be tolerated. Experimental studies have shown that this missense change affects MYBPC3 function (PMID: 18926831). In summary, the available evidence is currently insufficient to determine the role of this variant in disease. Therefore, it has been classified as a Variant of Uncertain Significance.

Color Diagnostics, LLC DBA Color Health
Classification: Uncertain significance for Cardiomyopathy. Last evaluated: 2025-11-20. Review status: criteria provided, single submitter. Criteria: ACMG Guidelines, 2015. Collection method: clinical testing. Allele origin: germline.
Comment: This missense variant replaces aspartic acid with asparagine at codon 228 of the MYBPC3 protein. Computational prediction tools indicate that this variant has a neutral impact on protein structure and function. An experimental study has shown that this variant weakens the interaction with myosin S2 domain (PMID: 18926831). This variant has been reported in two individuals affected with hypertrophic cardiomyopathy (PMID: 11748309, 26914223). This variant has been identified in 92/1613096 chromosomes in the general population by the Genome Aggregation Database (gnomAD). The available evidence is insufficient to determine the role of this variant in disease conclusively. Therefore, this variant is classified as a Variant of Uncertain Significance.

Ambry Genetics
Classification: Uncertain significance for Cardiovascular phenotype. Last evaluated: 2025-07-31. Review status: criteria provided, single submitter. Criteria: Ambry Variant Classification Scheme 2023. Collection method: clinical testing. Allele origin: germline.
Comment: The p.D228N variant (also known as c.682G>A), located in coding exon 6 of the MYBPC3 gene, results from a G to A substitution at nucleotide position 682. The aspartic acid at codon 228 is replaced by asparagine, an amino acid with highly similar properties. This alteration has been reported in individuals with hypertrophic cardiomyopathy (HCM) (Andersen PS et al. J Med Genet, 2001 Dec;38:E43; Murphy SL et al. J Cardiovasc Transl Res, 2016 Apr;9:153-61; Ambry internal). This amino acid position is not well conserved in available vertebrate species. In addition, this alteration is predicted to be tolerated by in silico analysis. Based on the available evidence, the clinical significance of this variant remains unclear.

All of Us Research Program, National Institutes of Health
Classification: Uncertain significance for Hypertrophic cardiomyopathy. Last evaluated: 2024-08-31. Review status: criteria provided, single submitter. Criteria: ACMG Guidelines, 2015. Collection method: clinical testing. Allele origin: germline. Inheritance: Autosomal dominant inheritance. Observed: 20 variant alleles, 20 heterozygotes.
Comment: This missense variant replaces aspartic acid with asparagine at codon 228 of the MYBPC3 protein. Computational prediction suggests that this variant may not impact protein structure and function (internally defined REVEL score threshold <= 0.5, PMID: 27666373). An experimental study has shown that this variant weakens the interaction with myosin S2 domain (PMID: 18926831). This variant has been reported in two individuals affected with hypertrophic cardiomyopathy (PMID: 11748309, 26914223). This variant has been identified in 22/278398 chromosomes in the general population by the Genome Aggregation Database (gnomAD). The available evidence is insufficient to determine the role of this variant in disease conclusively. Therefore, this variant is classified as a Variant of Uncertain Significance.

This study involves interpretation of variants in research participants for the purpose of population health screening. Participant phenotype was not available at the time of variant classification. Additional details can be found in publication PMID: 35346344, PMCID: PMC8962531

Clinical Genetics Laboratory, Skane University Hospital Lund
Classification: Uncertain significance for Abnormality of the cardiovascular system. Last evaluated: 2024-07-15. Review status: criteria provided, single submitter. Criteria: ACMG Guidelines, 2015. Collection method: clinical testing. Allele origin: germline. Affected: yes.
Comment: BP4

Blueprint Genetics
Classification: Uncertain significance. Last evaluated: 2024-07-04. Review status: criteria provided, single submitter. Criteria: ACMG Guidelines, 2015. Collection method: clinical testing. Allele origin: germline.

GeneDx
Classification: Uncertain significance. Last evaluated: 2024-05-01. Review status: criteria provided, single submitter. Criteria: GeneDx Variant Classification Process June 2021. Collection method: clinical testing. Allele origin: germline. Affected: yes.
Comment: In silico analysis supports that this missense variant does not alter protein structure/function; This variant is associated with the following publications: (PMID: 24055113, 18374358, 26914223, 11748309, 23299917, 15114369, 25637381, 21415409, 18926831)

Mayo Clinic Laboratories, Mayo Clinic
Classification: Uncertain significance. Last evaluated: 2023-04-24. Review status: criteria provided, single submitter. Criteria: ACMG Guidelines, 2015. Collection method: clinical testing. Allele origin: germline. Observed: 1 variant allele.
Comment: the same text as in the submission from Clinical Genetics Laboratory, Skane University Hospital Lund above.

CHEO Genetics Diagnostic Laboratory, Children's Hospital of Eastern Ontario
Classification: Uncertain significance for Cardiomyopathy. Last evaluated: 2020-10-19. Review status: criteria provided, single submitter. Criteria: ACMG Guidelines, 2015. Collection method: clinical testing. Allele origin: germline.

Mendelics
Classification: Uncertain significance for Hypertrophic cardiomyopathy 4. Last evaluated: 2019-05-28. Review status: criteria provided, single submitter. Criteria: Mendelics Assertion Criteria 2017. Collection method: clinical testing. Allele origin: unknown.

Institute of Human Genetics, University of Leipzig Medical Center
Classification: Uncertain significance for Left ventricular noncompaction 10. Last evaluated: 2019-01-01. Review status: criteria provided, single submitter. Criteria: ACMG Guidelines, 2015. Collection method: clinical testing. Allele origin: unknown. Affected: yes.

CSER _CC_NCGL, University of Washington
Classification: Uncertain significance for Cardiomyopathy, hypertrophic. Last evaluated: 2014-06-01. Review status: no assertion criteria provided. Collection method: research. Allele origin: germline. Inheritance: Autosomal dominant inheritance. Study: ESP 6500 variant annotation. Not counted in ClinVar's aggregate classification.
Comment: Variants classified for the Actionable exomic incidental findings in 6503 participants: challenges of variant classification manuscript

Literature cited by the submitters: PubMed 11748309 (cited by 5 submitters); PubMed 26914223 (cited by 5 submitters); PubMed 37652022 (cited by Labcorp Genetics (formerly Invitae), Labcorp); PubMed 18926831 (cited by 4 submitters); PubMed 15114369 (cited by Ambry Genetics and Mayo Clinic Laboratories, Mayo Clinic); PubMed 23299917 (cited by Ambry Genetics and Mayo Clinic Laboratories, Mayo Clinic); PubMed 24055113 (cited by Ambry Genetics).

NM_000256.3(MYBPC3):c.682G>A (p.Asp228Asn)

Gene: MYBPC3 (myosin binding protein C3; minus strand). Cytogenetic location: 11p11.2.
Variant type: single nucleotide variant.
Coding change: c.682G>A on transcript NM_000256.3 (MANE Select); coding-DNA position 682, G replaced by A.
Protein change: p.Asp228Asn; replaces aspartic acid 228 with asparagine.
Molecular consequence: missense variant.
Genome position (GRCh38, 1-based): chr11:47,348,514, C>T on the plus strand (G>A on the coding strand, the complement: MYBPC3 is on the minus strand). VCF-style: chr11-47348514-C-T. GRCh37 (hg19) VCF-style: chr11-47370065-C-T.
Other names: p.D228N:GAT>AAT; c.682G>A, p.Asp228Asn (LRG_386t1); short protein forms D228N.
Identifiers: ClinVar variation 161304 (VCV000161304.39), dbSNP rs369300885, ClinGen allele CA015709.